The following is an entry in ClinVar:

NM_001356.5(DDX3X):c.233C>A (p.Ser78Ter)

Gene: DDX3X (DEAD-box helicase 3 X-linked; plus strand). Cytogenetic location: Xp11.4.
Variant type: single nucleotide variant.
Coding change: c.233C>A on transcript NM_001356.5 (MANE Select); coding-DNA position 233, C replaced by A.
Protein change: p.Ser78Ter; replaces serine 78 with a stop codon.
Molecular consequence: nonsense. On other transcripts: 5 prime UTR variant (1), non-coding transcript variant (1).
Genome position (GRCh38, 1-based): chrX:41,341,565, C>A. VCF-style: chrX-41341565-C-A. GRCh37 (hg19) VCF-style: chrX-41200818-C-A.
Other names: c.233C>A, p.Ser78Ter (NM_001193416.3); c.185C>A, p.Ser62Ter (NM_001193417.3); c.-326C>A (NM_001363819.1); short protein forms S62*, S78*.
Identifiers: ClinVar variation 1695343 (VCV001695343.26), dbSNP rs886041589, ClinGen allele CA412765005.

ClinVar aggregate classification (germline): Pathogenic. Review status: criteria provided, multiple submitters, no conflicts (2 of 4 stars). 2 submissions from 2 submitters: Pathogenic (2). Last evaluated 2023-08-01.

Conditions:
Intellectual disability, X-linked 102 (MRXSSB). Also called: Intellectual developmental disorder, X-linked syndromic, Snijders Blok type. Identifiers: Orphanet 457260, MedGen C5393299, MONDO:0010497, OMIM 300958.

Submissions (2):

CeGaT Center for Human Genetics Tuebingen
Classification: Pathogenic. Last evaluated: 2023-08-01. Review status: criteria provided, single submitter. Criteria: CeGaT Center For Human Genetics Tuebingen Variant Classification Criteria Version 2. Collection method: clinical testing. Allele origin: germline. Affected: yes. Observed: 1 variant allele.
Comment: DDX3X: PVS1, PS2, PM2

Institute of Medical Genetics and Applied Genomics, University Hospital Tübingen
Classification: Pathogenic for Intellectual disability, X-linked 102. Last evaluated: 2022-07-11. Review status: criteria provided, single submitter. Criteria: ACMG Guidelines, 2015. Collection method: clinical testing. Allele origin: germline. Inheritance: X-linked dominant inheritance. Affected: yes.